The following is an entry in ClinVar:

NM_000179.3(MSH6):c.2323A>C (p.Lys775Gln)

Gene: MSH6 (mutS homolog 6; plus strand). Cytogenetic location: 2p16.3.
Variant type: single nucleotide variant.
Coding change: c.2323A>C on transcript NM_000179.3 (MANE Select); coding-DNA position 2323, A replaced by C.
Protein change: p.Lys775Gln; replaces lysine 775 with glutamine.
Molecular consequence: missense variant.
Genome position (GRCh38, 1-based): chr2:47,800,306, A>C. VCF-style: chr2-47800306-A-C. GRCh37 (hg19) VCF-style: chr2-48027445-A-C.
Other names: c.1933A>C, p.Lys645Gln (NM_001281492.2); c.1417A>C, p.Lys473Gln (NM_001281493.2, NM_001281494.2); short protein forms K645Q, K775Q, K473Q.
Identifiers: ClinVar variation 957715 (VCV000957715.11), dbSNP rs759915781, ClinGen allele CA068824.

ClinVar aggregate classification (germline): Uncertain significance. Review status: criteria provided, multiple submitters, no conflicts (2 of 4 stars). 3 submissions from 3 submitters: Uncertain significance (3). Last evaluated 2025-12-10.

Conditions:
Hereditary nonpolyposis colorectal neoplasms. Identifiers: MedGen C0009405, MeSH D003123.
Hereditary cancer-predisposing syndrome. Also called: Hereditary neoplastic syndrome; Neoplastic Syndromes, Hereditary; Hereditary Cancer Syndrome; Tumor predisposition. Identifiers: Orphanet 140162, MedGen C0027672, MeSH D009386, MONDO:0015356.

Allele frequency attached by ClinVar (database versions not stated): gnomAD exomes below 0.00001; ExAC 0.00001.
gnomAD v4.1: 2 of 1,614,148 alleles (0.00012%); highest among the groups gnomAD compares: South Asian, 0.0022%; no homozygotes.

Submissions (3):

Dasa
Classification: Uncertain significance. Last evaluated: 2025-12-10. Review status: criteria provided, single submitter. Criteria: DASA Assertion Criteria. Collection method: clinical testing. Allele origin: germline.
Comment: NM_000179.3(MSH6):c.2323A>C (p.Lys775Gln) is a missense variant that results in the substitution of lysine with glutamine. This variant is rare in population databases. The currently available literature and clinical evidence are not sufficient to establish a definitive association between this variant and the reported condition. Therefore, this variant is classified as a variant of uncertain significance.

Ambry Genetics
Classification: Uncertain significance for Hereditary cancer-predisposing syndrome. Last evaluated: 2025-09-06. Review status: criteria provided, single submitter. Criteria: Ambry Variant Classification Scheme 2023. Collection method: clinical testing. Allele origin: germline.
Comment: The p.K775Q variant (also known as c.2323A>C), located in coding exon 4 of the MSH6 gene, results from an A to C substitution at nucleotide position 2323. The lysine at codon 775 is replaced by glutamine, an amino acid with similar properties. This amino acid position is conserved. In addition, this alteration is predicted to be deleterious by in silico analysis. Based on the available evidence, the clinical significance of this variant remains unclear.

Labcorp Genetics (formerly Invitae), Labcorp
Classification: Uncertain significance for Hereditary nonpolyposis colorectal neoplasms. Last evaluated: 2022-12-06. Review status: criteria provided, single submitter. Criteria: Invitae Variant Classification Sherloc (09022015). Collection method: clinical testing. Allele origin: germline.
Comment: In summary, the available evidence is currently insufficient to determine the role of this variant in disease. Therefore, it has been classified as a Variant of Uncertain Significance. Advanced modeling of protein sequence and biophysical properties (such as structural, functional, and spatial information, amino acid conservation, physicochemical variation, residue mobility, and thermodynamic stability) has been performed at Invitae for this missense variant, however the output from this modeling did not meet the statistical confidence thresholds required to predict the impact of this variant on MSH6 protein function. ClinVar contains an entry for this variant (Variation ID: 957715). This variant has not been reported in the literature in individuals affected with MSH6-related conditions. This variant is present in population databases (rs759915781, gnomAD 0.003%). This sequence change replaces lysine, which is basic and polar, with glutamine, which is neutral and polar, at codon 775 of the MSH6 protein (p.Lys775Gln).